The following is an entry in ClinVar:

NM_001271.4(CHD2):c.2076G>C (p.Val692=)

Gene: CHD2 (chromodomain helicase DNA binding protein 2; plus strand). Cytogenetic location: 15q26.1.
Variant type: single nucleotide variant.
Coding change: c.2076G>C on transcript NM_001271.4 (MANE Select); coding-DNA position 2076, G replaced by C.
Protein change: p.Val692=; no amino-acid change (valine 692 retained).
Molecular consequence: synonymous variant.
Genome position (GRCh38, 1-based): chr15:92,967,400, G>C. VCF-style: chr15-92967400-G-C. GRCh37 (hg19) VCF-style: chr15-93510630-G-C.
Identifiers: ClinVar variation 3067671 (VCV003067671.21), dbSNP rs2053779795, ClinGen allele CA492499306.
Genomic context (GRCh38, chr15:92,967,400, plus strand): 5'-AGATTTTGAAGAAGACCATGGGAAGGGGAGAGAAAATGGCTACCAGAGTCTTCATAAGGT[G>C]CTAGAGCCTTTCCTTCTCCGGAGAGTCAAAAAAGATGTGGAGAAATCCCTTCCTGCTAAA-3'
Protein context (NP_001262.3, residues 682-702): RENGYQSLHK[Val692=]LEPFLLRRVK

ClinVar aggregate classification (germline): Likely benign (1 of 4 stars; one submission).

gnomAD v4.1: 1 of 1,613,604 alleles (0.000062%); no homozygotes.

Submission:

CeGaT Center for Human Genetics Tuebingen
Classification: Likely benign. Last evaluated: 2024-03-01. Review status: criteria provided, single submitter. Criteria: CeGaT Center For Human Genetics Tuebingen Variant Classification Criteria Version 2. Collection method: clinical testing. Allele origin: germline. Affected: yes. Observed: 1 variant allele.
Comment: CHD2: PM2:Supporting, BP4, BP7